The following is an entry in ClinVar:

ClinVar aggregate classification (germline): Conflicting classifications of pathogenicity. Review status: criteria provided, conflicting classifications (1 of 4 stars). 2 submissions from 2 submitters: Uncertain significance (1); Likely benign (1). Last evaluated 2026-07-31.

Conditions:
Hereditary cancer-predisposing syndrome. Also called: Hereditary Cancer Syndrome; Neoplastic Syndromes, Hereditary; Hereditary neoplastic syndrome; Tumor predisposition. Identifiers: Orphanet 140162, MedGen C0027672, MeSH D009386, MONDO:0015356.
Renal cell carcinoma. Identifiers: Orphanet 217071, MedGen C0007134, MeSH D002292, MONDO:0005086, HP:0005584.

Allele frequency attached by ClinVar (database versions not stated): gnomAD exomes below 0.00001.
gnomAD v4.1: 2 of 1,614,092 alleles (0.00012%); highest among the groups gnomAD compares: African/African-American, 0.0027%; no homozygotes.

Submissions (2):

Ambry Genetics
Classification: Likely benign for Hereditary cancer-predisposing syndrome. Last evaluated: 2026-07-31. Review status: criteria provided, single submitter. Criteria: Ambry Variant Classification Scheme 2023. Collection method: clinical testing. Allele origin: germline.

Labcorp Genetics (formerly Invitae), Labcorp
Classification: Uncertain significance for Renal cell carcinoma. Last evaluated: 2024-04-08. Review status: criteria provided, single submitter. Criteria: Invitae Variant Classification Sherloc (09022015). Collection method: clinical testing. Allele origin: germline.
Comment: This sequence change replaces alanine, which is neutral and non-polar, with threonine, which is neutral and polar, at codon 411 of the MET protein (p.Ala411Thr). This variant is not present in population databases (gnomAD no frequency). This variant has not been reported in the literature in individuals affected with MET-related conditions. ClinVar contains an entry for this variant (Variation ID: 1434428). An algorithm developed to predict the effect of missense changes on protein structure and function (PolyPhen-2) suggests that this variant is likely to be tolerated. In summary, the available evidence is currently insufficient to determine the role of this variant in disease. Therefore, it has been classified as a Variant of Uncertain Significance.

NM_000245.4(MET):c.1231G>A (p.Ala411Thr)

Gene: MET (MET proto-oncogene, receptor tyrosine kinase; plus strand). Cytogenetic location: 7q31.2.
Variant type: single nucleotide variant.
Coding change: c.1231G>A on transcript NM_000245.4 (MANE Select); coding-DNA position 1231, G replaced by A.
Protein change: p.Ala411Thr; replaces alanine 411 with threonine.
Molecular consequence: missense variant. On other transcripts: 5 prime UTR variant (1).
Genome position (GRCh38, 1-based): chr7:116,731,698, G>A. VCF-style: chr7-116731698-G-A. GRCh37 (hg19) VCF-style: chr7-116371752-G-A.
Other names: c.1231G>A, p.Ala411Thr (NM_001127500.3, NM_001324401.3); c.-60G>A (NM_001324402.2); c.1231G>A (NM_001127500.1); short protein forms A411T.
Identifiers: ClinVar variation 1434428 (VCV001434428.10), dbSNP rs752281264, ClinGen allele CA368972736.